The following is an entry in ClinVar:

NM_005732.4(RAD50):c.1060C>G (p.Gln354Glu)

Gene: RAD50 (RAD50 double strand break repair protein; plus strand). Cytogenetic location: 5q31.1.
Variant type: single nucleotide variant.
Coding change: c.1060C>G on transcript NM_005732.4 (MANE Select); coding-DNA position 1060, C replaced by G.
Protein change: p.Gln354Glu; replaces glutamine 354 with glutamic acid.
Molecular consequence: missense variant.
Genome position (GRCh38, 1-based): chr5:132,588,695, C>G. VCF-style: chr5-132588695-C-G. GRCh37 (hg19) VCF-style: chr5-131924387-C-G.
Other names: c.1060C>G (NM_005732.3); short protein forms Q354E.
Identifiers: ClinVar variation 1348447 (VCV001348447.7), dbSNP rs2149841026, ClinGen allele CA360941980.

ClinVar aggregate classification (germline): Uncertain significance. Review status: criteria provided, multiple submitters, no conflicts (2 of 4 stars). 2 submissions from 2 submitters: Uncertain significance (2). Last evaluated 2023-02-09.

Conditions:
Hereditary cancer-predisposing syndrome. Also called: Hereditary neoplastic syndrome; Tumor predisposition; Neoplastic Syndromes, Hereditary; Hereditary Cancer Syndrome. Identifiers: Orphanet 140162, MedGen C0027672, MeSH D009386, MONDO:0015356.

Submissions (2):

Ambry Genetics
Classification: Uncertain significance for Hereditary cancer-predisposing syndrome. Last evaluated: 2023-02-09. Review status: criteria provided, single submitter. Criteria: Ambry Variant Classification Scheme 2023. Collection method: clinical testing. Allele origin: germline.
Comment: The p.Q354E variant (also known as c.1060C>G), located in coding exon 8 of the RAD50 gene, results from a C to G substitution at nucleotide position 1060. The glutamine at codon 354 is replaced by glutamic acid, an amino acid with highly similar properties. This amino acid position is conserved. In addition, this alteration is predicted to be tolerated by in silico analysis. Since supporting evidence is limited at this time, the clinical significance of this alteration remains unclear.

Labcorp Genetics (formerly Invitae), Labcorp
Classification: Uncertain significance for Hereditary cancer-predisposing syndrome. Last evaluated: 2022-10-24. Review status: criteria provided, single submitter. Criteria: Invitae Variant Classification Sherloc (09022015). Collection method: clinical testing. Allele origin: germline.
Comment: In summary, the available evidence is currently insufficient to determine the role of this variant in disease. Therefore, it has been classified as a Variant of Uncertain Significance. Advanced modeling of protein sequence and biophysical properties (such as structural, functional, and spatial information, amino acid conservation, physicochemical variation, residue mobility, and thermodynamic stability) performed at Invitae indicates that this missense variant is not expected to disrupt RAD50 protein function. ClinVar contains an entry for this variant (Variation ID: 1348447). This variant has not been reported in the literature in individuals affected with RAD50-related conditions. This variant is not present in population databases (gnomAD no frequency). This sequence change replaces glutamine, which is neutral and polar, with glutamic acid, which is acidic and polar, at codon 354 of the RAD50 protein (p.Gln354Glu).